The following is an entry in ClinVar:

ClinVar aggregate classification (germline): Uncertain significance (1 of 4 stars; one submission).

Submission:

GeneDx
Classification: Uncertain significance. Last evaluated: 2024-04-10. Review status: criteria provided, single submitter. Criteria: GeneDx Variant Classification Process June 2021. Collection method: clinical testing. Allele origin: germline. Affected: yes.
Comment: Not observed at significant frequency in large population cohorts (gnomAD); In silico analysis indicates that this missense variant does not alter protein structure/function; Has not been previously published as pathogenic or benign to our knowledge

NM_013450.4(BAZ2B):c.1751C>T (p.Ala584Val)

Gene: BAZ2B (bromodomain adjacent to zinc finger domain 2B; minus strand). Cytogenetic location: 2q24.2.
Variant type: single nucleotide variant.
Coding change: c.1751C>T on transcript NM_013450.4 (MANE Select); coding-DNA position 1751, C replaced by T.
Protein change: p.Ala584Val; replaces alanine 584 with valine.
Molecular consequence: missense variant.
Genome position (GRCh38, 1-based): chr2:159,432,906, G>A on the plus strand (C>T on the coding strand, the complement: BAZ2B is on the minus strand). VCF-style: chr2-159432906-G-A. GRCh37 (hg19) VCF-style: chr2-160289417-G-A.
Other names: c.1745C>T, p.Ala582Val (NM_001289975.1); c.1562C>T, p.Ala521Val (NM_001329857.2); c.1751C>T, p.Ala584Val (NM_001329858.2); short protein forms A521V, A582V, A584V.
Identifiers: ClinVar variation 3372374 (VCV003372374.1).